The following is an entry in ClinVar:

NM_000494.4(COL17A1):c.3827C>T (p.Pro1276Leu)

Gene: COL17A1 (collagen type XVII alpha 1 chain; minus strand). Cytogenetic location: 10q25.1.
Variant type: single nucleotide variant.
Coding change: c.3827C>T on transcript NM_000494.4 (MANE Select); coding-DNA position 3827, C replaced by T.
Protein change: p.Pro1276Leu; replaces proline 1276 with leucine.
Molecular consequence: missense variant.
Genome position (GRCh38, 1-based): chr10:104,034,274, G>A on the plus strand (C>T on the coding strand, the complement: COL17A1 is on the minus strand). VCF-style: chr10-104034274-G-A. GRCh37 (hg19) VCF-style: chr10-105794032-G-A.
Other names: short protein forms P1276L.
Identifiers: ClinVar variation 4987612 (VCV004987612.1).

ClinVar aggregate classification (germline): Uncertain significance (1 of 4 stars; one submission).

Conditions:
COL17A1-related disorder. Also called: COL17A1-related condition.

gnomAD v4.1: 65 of 1,596,194 alleles (0.0041%); highest among the groups gnomAD compares: Non-Finnish European, 0.0055%; no homozygotes.

Submission:

PreventionGenetics, part of Exact Sciences
Classification: Uncertain significance for COL17A1-related condition. Last evaluated: 2025-01-09. Review status: criteria provided, single submitter. Criteria: ACMG Guidelines, 2015. Collection method: clinical testing. Allele origin: germline.
Comment: The COL17A1 c.3827C>T variant is predicted to result in the amino acid substitution p.Pro1276Leu. To our knowledge, this variant has not been reported in the literature. This variant is reported in 0.0052% of alleles in individuals of European (Non-Finnish) descent in gnomAD. At this time, the clinical significance of this variant is uncertain due to the absence of conclusive functional and genetic evidence.